The following is an entry in ClinVar:

NM_182914.3(SYNE2):c.12151C>G (p.Gln4051Glu)

Gene: SYNE2 (spectrin repeat containing nuclear envelope protein 2; plus strand). Cytogenetic location: 14q23.2.
Variant type: single nucleotide variant.
Coding change: c.12151C>G on transcript NM_182914.3 (MANE Select); coding-DNA position 12151, C replaced by G.
Protein change: p.Gln4051Glu; replaces glutamine 4051 with glutamic acid.
Molecular consequence: missense variant.
Genome position (GRCh38, 1-based): chr14:64,097,991, C>G. VCF-style: chr14-64097991-C-G. GRCh37 (hg19) VCF-style: chr14-64564709-C-G.
Other names: c.12151C>G, p.Gln4051Glu (NM_015180.6); short protein forms Q4051E.
Identifiers: ClinVar variation 313567 (VCV000313567.11), dbSNP rs149546014, ClinGen allele CA7222029.

ClinVar aggregate classification (germline): Conflicting classifications of pathogenicity. Review status: criteria provided, conflicting classifications (1 of 4 stars). 3 submissions from 3 submitters: Uncertain significance (2); Benign (1). Last evaluated 2024-01-05.

Conditions:
Emery-Dreifuss muscular dystrophy 5, autosomal dominant (EDMD5). Also called: EMERY-DREIFUSS MUSCULAR DYSTROPHY 5. Identifiers: Orphanet 261, MedGen C2751805, MONDO:0013072, OMIM 612999.

Allele frequency attached by ClinVar (database versions not stated): gnomAD exomes below 0.00001 and 0.00005; ExAC 0.00002; gnomAD 0.00004; TOPMed 0.00005; ESP Exome Variant Server 0.00008.
gnomAD v4.1: 74 of 1,614,062 alleles (0.0046%); highest among the groups gnomAD compares: Non-Finnish European, 0.0059%; no homozygotes.

Submissions (3):

Revvity Omics, Revvity
Classification: Uncertain significance for Emery-Dreifuss muscular dystrophy 5, autosomal dominant. Last evaluated: 2024-01-05. Review status: criteria provided, single submitter. Criteria: ACMG Guidelines, 2015. Collection method: clinical testing. Allele origin: germline.

Labcorp Genetics (formerly Invitae), Labcorp
Classification: Uncertain significance for Emery-Dreifuss muscular dystrophy 5, autosomal dominant. Last evaluated: 2022-11-08. Review status: criteria provided, single submitter. Criteria: Invitae Variant Classification Sherloc (09022015). Collection method: clinical testing. Allele origin: germline.
Comment: This variant is present in population databases (rs149546014, gnomAD 0.007%). This sequence change replaces glutamine, which is neutral and polar, with glutamic acid, which is acidic and polar, at codon 4051 of the SYNE2 protein (p.Gln4051Glu). This variant has not been reported in the literature in individuals affected with SYNE2-related conditions. ClinVar contains an entry for this variant (Variation ID: 313567). Algorithms developed to predict the effect of missense changes on protein structure and function are either unavailable or do not agree on the potential impact of this missense change (SIFT: "Tolerated"; PolyPhen-2: "Possibly Damaging"; Align-GVGD: "Class C0"). In summary, the available evidence is currently insufficient to determine the role of this variant in disease. Therefore, it has been classified as a Variant of Uncertain Significance.

Illumina Laboratory Services, Illumina
Classification: Benign for Emery-Dreifuss muscular dystrophy 5, autosomal dominant. Last evaluated: 2018-01-13. Review status: criteria provided, single submitter. Criteria: ICSL Variant Classification Criteria 13 December 2019. Collection method: clinical testing. Allele origin: germline.
Comment: This variant was observed in the ICSL laboratory as part of a predisposition screen in an ostensibly healthy population. It had not been previously curated by ICSL or reported in the Human Gene Mutation Database (HGMD: prior to June 1st, 2018), and was therefore a candidate for classification through an automated scoring system. Utilizing variant allele frequency, disease prevalence and penetrance estimates, and inheritance mode, an automated score was calculated to assess if this variant is too frequent to cause the disease. Based on the score and internal cut-off values, a variant classified as benign is not then subjected to further curation. The score for this variant resulted in a classification of benign for this disease.